The following is an entry in ClinVar:

NM_000051.4(ATM):c.3846_3856del (p.Thr1284fs)

Gene: ATM (ATM serine/threonine kinase; plus strand). Cytogenetic location: 11q22.3.
Variant type: Deletion.
Coding change: c.3846_3856del on transcript NM_000051.4 (MANE Select); coding-DNA positions 3846 to 3856, 11 bases deleted (TCTAACAGACT).
Protein change: p.Thr1284fs; shifts the reading frame from threonine 1284.
Molecular consequence: frameshift variant.
Genome position (GRCh38, 1-based): chr11:108,284,326-108,284,336, TCTAACAGACT deleted; deleting any 11 consecutive bases within chr11:108,284,324-108,284,336 gives the same sequence; the c. name uses the placement nearest the transcript's 3' end. VCF-style (leftmost placement, unchanged base first): chr11-108284323-TCTTCTAACAGA-T. GRCh37 (hg19) VCF-style: chr11-108155050-TCTTCTAACAGA-T.
Other names: c.3846_3856del, p.Thr1284fs (NM_001351834.2); short protein forms T1284fs.
Identifiers: ClinVar variation 5007768 (VCV005007768.2).
Genomic context (GRCh38, chr11:108,284,323, plus strand): 5'-TAGAAGTCATTTTGATGAGGTGAAGTCCATTGCTAATCAGATTCAAGAGGACTGGAAAAG[TCTTCTAACAGA>T]CTGCTTTCCAAAGATTCTTGTAAATATTCTTCCTTATTTTGCCTATGAGGGTACCAGAGA-3'

ClinVar aggregate classification (germline): Likely pathogenic (1 of 4 stars; one submission).

Conditions:
Ataxia-telangiectasia syndrome (AT). Also called: LOUIS-BAR SYNDROME; Ataxia-telangiectasia, complementation group D; AT, COMPLEMENTATION GROUP C; ATAXIA-TELANGIECTASIA, COMPLEMENTATION GROUP A; ATAXIA-TELANGIECTASIA, FRESNO VARIANT; Ataxia-telangiectasia. Identifiers: Orphanet 100, MedGen C0004135, MONDO:0008840, OMIM 208900.
Familial cancer of breast. Also called: hereditary breast carcinoma; Hereditary breast cancer; BREAST CANCER, FAMILIAL. Identifiers: Orphanet 227535, MedGen C0346153, MONDO:0016419, OMIM 114480. Disease mechanism: loss of function.

Submission:

Juno Genomics, Hangzhou Juno Genomics, Inc
Classification: Likely pathogenic for Familial cancer of breast; Ataxia-telangiectasia syndrome. Review status: criteria provided, single submitter. Criteria: ACMG Guidelines, 2015. Collection method: clinical testing. Allele origin: germline.
Comment: Null variant in a gene where loss of function (LOF) is a known mechanism of disease.;Absent from controls (or at extremely low frequency if recessive) in Genome Aggregation Database.